The following is an entry in ClinVar:

NM_000264.5(PTCH1):c.733A>T (p.Thr245Ser)

Gene: PTCH1 (patched 1; minus strand). Cytogenetic location: 9q22.32.
Variant type: single nucleotide variant.
Coding change: c.733A>T on transcript NM_000264.5 (MANE Select); coding-DNA position 733, A replaced by T.
Protein change: p.Thr245Ser; replaces threonine 245 with serine.
Molecular consequence: missense variant. On other transcripts: non-coding transcript variant (1).
Genome position (GRCh38, 1-based): chr9:95,481,962, T>A on the plus strand (A>T on the coding strand, the complement: PTCH1 is on the minus strand). VCF-style: chr9-95481962-T-A. GRCh37 (hg19) VCF-style: chr9-98244244-T-A.
Other names: c.535A>T, p.Thr179Ser (NM_001083602.3, NM_001354919.2); c.730A>T, p.Thr244Ser (NM_001083603.3); c.280A>T, p.Thr94Ser (NM_001083604.3, NM_001083605.3, NM_001083606.3 and 1 more transcripts); c.733A>T, p.Thr245Ser (NM_001354918.2); c.733A>T (NM_000264.3); short protein forms T94S, T179S, T244S, T245S.
Identifiers: ClinVar variation 1355492 (VCV001355492.10), dbSNP rs2118460143, ClinGen allele CA374114817.

ClinVar aggregate classification (germline): Uncertain significance. Review status: criteria provided, multiple submitters, no conflicts (2 of 4 stars). 2 submissions from 2 submitters: Uncertain significance (2). Last evaluated 2025-12-05.

Conditions:
Gorlin syndrome. Also called: Basal cell nevus syndrome; Nevoid Basal Cell Carcinoma Syndrome. Identifiers: Orphanet 377, MedGen C0004779, MONDO:0007187.
Hereditary cancer-predisposing syndrome. Also called: Hereditary Cancer Syndrome; Hereditary neoplastic syndrome; Tumor predisposition; Neoplastic Syndromes, Hereditary. Identifiers: Orphanet 140162, MedGen C0027672, MeSH D009386, MONDO:0015356.

Submissions (2):

Ambry Genetics
Classification: Uncertain significance for Hereditary cancer-predisposing syndrome. Last evaluated: 2025-12-05. Review status: criteria provided, single submitter. Criteria: Ambry Variant Classification Scheme 2023. Collection method: clinical testing. Allele origin: germline.
Comment: The p.T245S variant (also known as c.733A>T), located in coding exon 5 of the PTCH1 gene, results from an A to T substitution at nucleotide position 733. The threonine at codon 245 is replaced by serine, an amino acid with similar properties. This amino acid position is conserved. In addition, this alteration is predicted to be tolerated by in silico analysis. Since supporting evidence is limited at this time, the clinical significance of this alteration remains unclear.

Labcorp Genetics (formerly Invitae), Labcorp
Classification: Uncertain significance for Gorlin syndrome. Last evaluated: 2023-06-25. Review status: criteria provided, single submitter. Criteria: Invitae Variant Classification Sherloc (09022015). Collection method: clinical testing. Allele origin: germline.
Comment: Advanced modeling of protein sequence and biophysical properties (such as structural, functional, and spatial information, amino acid conservation, physicochemical variation, residue mobility, and thermodynamic stability) performed at Invitae indicates that this missense variant is not expected to disrupt PTCH1 protein function. In summary, the available evidence is currently insufficient to determine the role of this variant in disease. Therefore, it has been classified as a Variant of Uncertain Significance. ClinVar contains an entry for this variant (Variation ID: 1355492). This variant has not been reported in the literature in individuals affected with PTCH1-related conditions. This variant is not present in population databases (gnomAD no frequency). This sequence change replaces threonine, which is neutral and polar, with serine, which is neutral and polar, at codon 245 of the PTCH1 protein (p.Thr245Ser).